The following is an entry in ClinVar:

ClinVar aggregate classification (germline): Uncertain significance (1 of 4 stars; one submission).

Submission:

Ambry Genetics
Classification: Uncertain significance. Last evaluated: 2026-01-18. Review status: criteria provided, single submitter. Criteria: Ambry Variant Classification Scheme 2023. Collection method: clinical testing. Allele origin: germline.
Comment: The p.L360F variant (also known as c.1080G>C), located in coding exon 1 of the TET2 gene, results from a G to C substitution at nucleotide position 1080. The leucine at codon 360 is replaced by phenylalanine, an amino acid with highly similar properties. This amino acid position is conserved. In addition, this alteration is predicted to be tolerated by in silico analysis. Based on the available evidence, the clinical significance of this variant remains unclear.

NM_001127208.3(TET2):c.1080G>C (p.Leu360Phe)

Genes: TET2 (tet methylcytosine dioxygenase 2; plus strand), TET2-AS1 (TET2 antisense RNA 1; minus strand). Cytogenetic location: 4q24.
Variant type: single nucleotide variant.
Coding change: c.1080G>C on transcript NM_001127208.3 (MANE Select); coding-DNA position 1080, G replaced by C.
Protein change: p.Leu360Phe; replaces leucine 360 with phenylalanine.
Molecular consequence: missense variant.
Genome position (GRCh38, 1-based): chr4:105,235,022, G>C. VCF-style: chr4-105235022-G-C. GRCh37 (hg19) VCF-style: chr4-106156179-G-C.
Other names: c.1080G>C, p.Leu360Phe (NM_017628.4); short protein forms L360F.
Identifiers: ClinVar variation 4824993 (VCV004824993.1).